The following is an entry in ClinVar:

NM_080632.3(UPF3B):c.1288C>T (p.Arg430Ter)

Gene: UPF3B (UPF3B regulator of nonsense mediated mRNA decay; minus strand). Cytogenetic location: Xq24.
Variant type: single nucleotide variant.
Coding change: c.1288C>T on transcript NM_080632.3 (MANE Select); coding-DNA position 1288, C replaced by T.
Protein change: p.Arg430Ter; replaces arginine 430 with a stop codon.
Molecular consequence: nonsense.
Genome position (GRCh38, 1-based): chrX:119,837,771, G>A on the plus strand (C>T on the coding strand, the complement: UPF3B is on the minus strand). VCF-style: chrX-119837771-G-A. GRCh37 (hg19) VCF-style: chrX-118971734-G-A.
Other names: c.1249C>T, p.Arg417Ter (NM_023010.4); short protein forms R430*, R417*.
Identifiers: ClinVar variation 11400 (VCV000011400.4), dbSNP rs122468181, ClinGen allele CA121436.

ClinVar aggregate classification (germline): Pathogenic. Review status: criteria provided, single submitter (1 of 4 stars). 2 submissions from 2 submitters: Pathogenic (1). 1 of the submissions does not count toward it. Last evaluated 2023-06-05.

Conditions:
Intellectual developmental disorder, X-linked, syndromic 14. Also called: Syndromic X-linked intellectual disability 14. Identifiers: Orphanet 776, MedGen C1970822, MONDO:0010398, OMIM 300676.

Submissions (2):

GeneDx
Classification: Pathogenic. Last evaluated: 2023-06-05. Review status: criteria provided, single submitter. Criteria: GeneDx Variant Classification Process June 2021. Collection method: clinical testing. Allele origin: germline. Affected: yes.
Comment: Nonsense variant predicted to result in protein truncation, as the last 54 amino acids are lost, and other loss-of-function variants have been reported downstream in HGMD; Not observed at significant frequency in large population cohorts (gnomAD); This variant is associated with the following publications: (PMID: 17704778, 22957832, 19377476, 25525159, 26012578, 34356170, 33004838)

OMIM
Classification: Pathogenic for INTELLECTUAL DEVELOPMENTAL DISORDER, X-LINKED, SYNDROMIC 14. Last evaluated: 2013-06-01. Review status: no assertion criteria provided. Collection method: literature only. Allele origin: germline. Not counted in ClinVar's aggregate classification.

Literature cited by the submitters: PubMed 17704778 (cited by OMIM); PubMed 22957832 (cited by OMIM).